The following is an entry in ClinVar:

NM_017631.6(DDX60):c.2191G>A (p.Val731Ile)

Gene: DDX60 (DExD/H-box helicase 60; minus strand). Cytogenetic location: 4q32.3.
Variant type: single nucleotide variant.
Coding change: c.2191G>A on transcript NM_017631.6 (MANE Select); coding-DNA position 2191, G replaced by A.
Protein change: p.Val731Ile; replaces valine 731 with isoleucine.
Molecular consequence: missense variant.
Genome position (GRCh38, 1-based): chr4:168,275,458, C>T on the plus strand (G>A on the coding strand, the complement: DDX60 is on the minus strand). VCF-style: chr4-168275458-C-T. GRCh37 (hg19) VCF-style: chr4-169196609-C-T.
Other names: c.2191G>A, p.Val731Ile (NM_001410861.1); short protein forms V731I.
Identifiers: ClinVar variation 2655175 (VCV002655175.24), dbSNP rs17853802, ClinGen allele CA3133137.

ClinVar aggregate classification (germline): Likely benign (1 of 4 stars; one submission).

Allele frequency attached by ClinVar (database versions not stated): 1000 Genomes Project 0.00060; 1000 Genomes Project 30x 0.00078; TOPMed 0.00312; ExAC 0.00393; gnomAD 0.00401; ESP Exome Variant Server 0.00408; gnomAD exomes 0.00460.
gnomAD v4.1: 7,262 of 1,611,024 alleles (0.45%); highest among the groups gnomAD compares: Non-Finnish European, 0.52%; 29 homozygotes.

Submission:

CeGaT Center for Human Genetics Tuebingen
Classification: Likely benign. Last evaluated: 2023-03-01. Review status: criteria provided, single submitter. Criteria: CeGaT Center For Human Genetics Tuebingen Variant Classification Criteria Version 2. Collection method: clinical testing. Allele origin: germline. Affected: yes. Observed: 1 variant allele.
Comment: DDX60: BP4, BS2